The following is an entry in ClinVar:

NM_000038.6(APC):c.3249dup (p.Asp1084Ter)

Gene: APC (APC regulator of Wnt signaling pathway; plus strand). Cytogenetic location: 5q22.2.
Variant type: Duplication.
Coding change: c.3249dup on transcript NM_000038.6 (MANE Select); coding-DNA position 3249, one base duplicated (T; older notation c.3249dupT).
Protein change: p.Asp1084Ter; replaces aspartic acid 1084 with a stop codon.
Molecular consequence: nonsense.
Genome position (GRCh38, 1-based): chr5:112,838,843, T duplicated. VCF-style (leftmost placement, unchanged base first): chr5-112838842-A-AT. GRCh37 (hg19) VCF-style: chr5-112174539-A-AT.
Other names: c.3249dup, p.Asp1084Ter (NM_001127510.3, NM_001354895.2); c.3195dup, p.Asp1066Ter (NM_001127511.3); c.3303dup, p.Asp1102Ter (NM_001354896.2); c.3279dup, p.Asp1094Ter (NM_001354897.2); c.3174dup, p.Asp1059Ter (NM_001354898.2); c.3165dup, p.Asp1056Ter (NM_001354899.2); c.3126dup, p.Asp1043Ter (NM_001354900.2); c.3072dup, p.Asp1025Ter (NM_001354901.2); and 5 more; short protein forms D1025*, D1043*, D1056*, D1059*, D1066*, D1084*, D1094*, D1102*.
Identifiers: ClinVar variation 1072268 (VCV001072268.10), dbSNP rs2149887912, ClinGen allele CA658760894.

ClinVar aggregate classification (germline): Pathogenic (1 of 4 stars; one submission).

Conditions:
Familial adenomatous polyposis 1 (FAP1). Also called: POLYPOSIS, ADENOMATOUS INTESTINAL; FAMILIAL ADENOMATOUS POLYPOSIS 1, ATTENUATED. Identifiers: MedGen C2713442, MONDO:0021056, OMIM 175100. Disease mechanism: loss of function.

Submission:

Labcorp Genetics (formerly Invitae), Labcorp
Classification: Pathogenic for Familial adenomatous polyposis 1. Last evaluated: 2023-09-22. Review status: criteria provided, single submitter. Criteria: Invitae Variant Classification Sherloc (09022015). Collection method: clinical testing. Allele origin: germline.
Comment: This variant is not present in population databases (gnomAD no frequency). This sequence change creates a premature translational stop signal (p.Asp1084*) in the APC gene. While this is not anticipated to result in nonsense mediated decay, it is expected to disrupt the last 1760 amino acid(s) of the APC protein. This premature translational stop signal has been observed in individual(s) with clinical features of familial adenomatosis polyposis (PMID: 15024739). ClinVar contains an entry for this variant (Variation ID: 1072268). This variant is expected to disrupt the EB1 and HDLG binding sites, which mediate interactions with the cytoskeleton (PMID: 15311282, 17293347). While functional studies have not been performed to directly test the effect on APC protein function, this suggests that disruption of the C-terminal portion of the protein is functionally important. A different truncation (p.Tyr2645Lysfs*14) that lies downstream of this variant has been determined to be pathogenic (PMID: 9824584, 1316610, 27081525, 8381579, 22135120, Invitae). This suggests that deletion of this region of the APC protein is causative of disease. For these reasons, this variant has been classified as Pathogenic.

Literature cited by the submitters: PubMed 15024739; PubMed 15311282; PubMed 17293347; PubMed 9824584; PubMed 1316610; PubMed 27081525; PubMed 8381579; PubMed 22135120.